The following is an entry in ClinVar:

NM_001366521.1(ATP2B1):c.2994T>A (p.Asn998Lys)

Gene: ATP2B1 (ATPase plasma membrane Ca2+ transporting 1; minus strand). Cytogenetic location: 12q21.33.
Variant type: single nucleotide variant.
Coding change: c.2994T>A on transcript NM_001366521.1 (MANE Select); coding-DNA position 2994, T replaced by A.
Protein change: p.Asn998Lys; replaces asparagine 998 with lysine.
Molecular consequence: missense variant. On other transcripts: non-coding transcript variant (3).
Genome position (GRCh38, 1-based): chr12:89,603,109, A>T on the plus strand (T>A on the coding strand, the complement: ATP2B1 is on the minus strand). VCF-style: chr12-89603109-A-T. GRCh37 (hg19) VCF-style: chr12-89996886-A-T.
Other names: c.2994T>A, p.Asn998Lys (NM_001001323.2, NM_001366520.1, NM_001366522.1 and 12 more transcripts); c.2796T>A, p.Asn932Lys (NM_001366530.1, NM_001413053.1); c.2433T>A, p.Asn811Lys (NM_001366531.1, NM_001366532.1, NM_001413058.1 and 2 more transcripts); c.2955T>A, p.Asn985Lys (NM_001413048.1); c.2853T>A, p.Asn951Lys (NM_001413051.1, NM_001413052.1, NM_001413055.1); c.2751T>A, p.Asn917Lys (NM_001413054.1); c.2739T>A, p.Asn913Lys (NM_001413056.1); c.2541T>A, p.Asn847Lys (NM_001413057.1); short protein forms N811K, N913K, N985K, N847K, N932K, N951K, N917K, N998K.
Identifiers: ClinVar variation 5009115 (VCV005009115.1).

ClinVar aggregate classification (germline): Uncertain significance (1 of 4 stars; one submission).

gnomAD v4.1: 1 of 1,613,980 alleles (0.000062%); highest among the groups gnomAD compares: Non-Finnish European, 0.000085%; no homozygotes.

Submission:

GeneDx
Classification: Uncertain significance. Last evaluated: 2026-03-19. Review status: criteria provided, single submitter. Criteria: GeneDx Variant Classification Process June 2021. Collection method: clinical testing. Allele origin: germline.
Comment: Not observed at significant frequency in large population cohorts (gnomAD); In silico analysis supports that this missense variant has a deleterious effect on protein structure/function; Has not been previously published as pathogenic or benign to our knowledge